The following is an entry in ClinVar:

ClinVar aggregate classification (germline): Uncertain significance (1 of 4 stars; one submission).

Conditions:
Cardiovascular phenotype. Identifiers: MedGen CN230736.

gnomAD v4.1: 1 of 1,547,934 alleles (0.000065%); highest among the groups gnomAD compares: Non-Finnish European, 0.000087%; no homozygotes.

Submission:

Ambry Genetics
Classification: Uncertain significance for Cardiovascular phenotype. Last evaluated: 2026-01-06. Review status: criteria provided, single submitter. Criteria: Ambry Variant Classification Scheme 2023. Collection method: clinical testing. Allele origin: germline.
Comment: The p.D529Y variant (also known as c.1585G>T), located in coding exon 8 of the EPHB4 gene, results from a G to T substitution at nucleotide position 1585. The aspartic acid at codon 529 is replaced by tyrosine, an amino acid with highly dissimilar properties. This amino acid position is conserved. In addition, the in silico prediction for this alteration is inconclusive. Based on the available evidence, the clinical significance of this variant remains unclear.

NM_004444.5(EPHB4):c.1585G>T (p.Asp529Tyr)

Gene: EPHB4 (EPH receptor B4; minus strand). Cytogenetic location: 7q22.1.
Variant type: single nucleotide variant.
Coding change: c.1585G>T on transcript NM_004444.5 (MANE Select); coding-DNA position 1585, G replaced by T.
Protein change: p.Asp529Tyr; replaces aspartic acid 529 with tyrosine.
Molecular consequence: missense variant.
Genome position (GRCh38, 1-based): chr7:100,817,195, C>A on the plus strand (G>T on the coding strand, the complement: EPHB4 is on the minus strand). VCF-style: chr7-100817195-C-A. GRCh37 (hg19) VCF-style: chr7-100414817-C-A.
Other names: short protein forms D529Y.
Identifiers: ClinVar variation 4842539 (VCV004842539.1).